The following is an entry in ClinVar:

ClinVar aggregate classification (germline): Likely benign. Review status: criteria provided, multiple submitters, no conflicts (2 of 4 stars). 2 submissions from 2 submitters: Likely benign (2). Last evaluated 2023-07-14.

Conditions:
Charcot-Marie-Tooth disease type 2. Also called: Charcot-Marie-Tooth type 2. Identifiers: Orphanet 64746, MedGen C0270914, MONDO:0018993.

Allele frequency attached by ClinVar (database versions not stated): gnomAD exomes below 0.00001.
gnomAD v4.1: 1 of 1,612,922 alleles (0.000062%); highest among the groups gnomAD compares: East Asian, 0.0022%; no homozygotes.

Submissions (2):

Labcorp Genetics (formerly Invitae), Labcorp
Classification: Likely benign for Charcot-Marie-Tooth disease type 2. Last evaluated: 2023-07-14. Review status: criteria provided, single submitter. Criteria: Invitae Variant Classification Sherloc (09022015). Collection method: clinical testing. Allele origin: germline.

Laboratory for Molecular Medicine, Mass General Brigham Personalized Medicine
Classification: Likely benign. Last evaluated: 2012-02-07. Review status: criteria provided, single submitter. Criteria: LMM Criteria. Collection method: clinical testing. Allele origin: germline. Observed: 1 variant allele.
Comment: Asp87Asp in exon 1 of LMNA: This variant is not expected to have clinical signif icance because it does not alter an amino acid residue and is not located within the splice consensus sequence. Asp87Asp in exon 1 of LMNA (allele frequency = n/a)

NM_170707.4(LMNA):c.261T>C (p.Asp87=)

Gene: LMNA (lamin A/C; plus strand). Cytogenetic location: 1q22.
Variant type: single nucleotide variant.
Coding change: c.261T>C on transcript NM_170707.4 (MANE Select); coding-DNA position 261, T replaced by C.
Protein change: p.Asp87=; no amino-acid change (aspartic acid 87 retained).
Molecular consequence: synonymous variant.
Genome position (GRCh38, 1-based): chr1:156,115,179, T>C. VCF-style: chr1-156115179-T-C. GRCh37 (hg19) VCF-style: chr1-156084970-T-C.
Other names: c.261T>C, p.Asp87= (NM_001282625.2, NM_001282626.2, NM_005572.4 and 1 more transcripts).
Identifiers: ClinVar variation 48058 (VCV000048058.11), dbSNP rs397517900, ClinGen allele CA017819.